The following is an entry in ClinVar:

ClinVar aggregate classification (germline): Likely pathogenic. Review status: criteria provided, single submitter (1 of 4 stars). 2 submissions from 2 submitters: Likely pathogenic (1). 1 of the submissions does not count toward it. Last evaluated 2025-03-22.

Conditions:
Alport syndrome. Also called: Hemorrhagic familial nephritis; Hemorrhagic hereditary nephritis; Congenital hereditary hematuria. Identifiers: Orphanet 63, MedGen C1567741, MONDO:0018965.
COL4A3-related disorder. Also called: COL4A3-Related Disorders; COL4A3-related condition.

Submissions (2):

Natera, Inc.
Classification: Likely pathogenic for Alport syndrome. Last evaluated: 2025-03-22. Review status: criteria provided, single submitter. Criteria: Natera Variant Classification Schema (03/2026). Collection method: clinical testing. Allele origin: germline.
Comment: The c.4929-2A>C variant in COL4A3 is a canonical splice acceptor site variant predicted to affect pre-mRNA splicing, which may result in an abnormal transcript and altered protein product. This variant is expected to result in nonsense mediated decay, truncation, or a dysfunctional protein product. This variant is rare in the general population with a frequency below the threshold expected for the associated phenotype(s). This variant has been observed in one or more individuals affected with the associated recessive disease, as either homozygous or compound heterozygous with a second variant (PMID: 38357258). Given the available evidence, this variant is classified as Likely Pathogenic.

PreventionGenetics, part of Exact Sciences
Classification: Likely pathogenic for COL4A3-related condition. Last evaluated: 2024-02-21. Review status: no assertion criteria provided. Collection method: clinical testing. Allele origin: germline. Not counted in ClinVar's aggregate classification.
Comment: The COL4A3 c.4929-2A>C variant is predicted to disrupt the AG splice acceptor site and interfere with normal splicing. To our knowledge, this variant has not been reported in the literature or in a large population database, indicating this variant is rare. Variants that disrupt the consensus splice acceptor site in COL4A3 are expected to be pathogenic. This variant is interpreted as likely pathogenic.

Literature cited by the submitters: PubMed 38357258 (cited by Natera, Inc.).

NM_000091.5(COL4A3):c.4929-2A>C

Genes: COL4A3 (collagen type IV alpha 3 chain; plus strand), MFF-DT (MFF divergent transcript; minus strand). Cytogenetic location: 2q36.3.
Variant type: single nucleotide variant.
Coding change: c.4929-2A>C on transcript NM_000091.5 (MANE Select); the canonical splice acceptor site of the intron before coding-DNA position 4929, A replaced by C.
Molecular consequence: splice acceptor variant.
Genome position (GRCh38, 1-based): chr2:227,311,784, A>C. VCF-style: chr2-227311784-A-C. GRCh37 (hg19) VCF-style: chr2-228176500-A-C.
Identifiers: ClinVar variation 3044676 (VCV003044676.3), dbSNP rs2469950079, ClinGen allele CA350866696.